The following is an entry in ClinVar:

ClinVar aggregate classification (germline): Uncertain significance (1 of 4 stars; one submission).

Conditions:
Hereditary cancer-predisposing syndrome. Also called: Tumor predisposition; Hereditary Cancer Syndrome; Neoplastic Syndromes, Hereditary; Hereditary neoplastic syndrome. Identifiers: Orphanet 140162, MedGen C0027672, MeSH D009386, MONDO:0015356.

Submission:

Ambry Genetics
Classification: Uncertain significance for Hereditary cancer-predisposing syndrome. Last evaluated: 2022-02-05. Review status: criteria provided, single submitter. Criteria: Ambry Variant Classification Scheme 2023. Collection method: clinical testing. Allele origin: germline.
Comment: The p.Q93H variant (also known as c.279A>C), located in coding exon 3 of the BARD1 gene, results from an A to C substitution at nucleotide position 279. The glutamine at codon 93 is replaced by histidine, an amino acid with highly similar properties. This amino acid position is conserved. In addition, this alteration is predicted to be tolerated by in silico analysis. Since supporting evidence is limited at this time, the clinical significance of this alteration remains unclear.

NM_000465.4(BARD1):c.279A>C (p.Gln93His)

Gene: BARD1 (BRCA1 associated RING domain 1; minus strand). Cytogenetic location: 2q35.
Variant type: single nucleotide variant.
Coding change: c.279A>C on transcript NM_000465.4 (MANE Select); coding-DNA position 279, A replaced by C.
Protein change: p.Gln93His; replaces glutamine 93 with histidine.
Molecular consequence: missense variant. On other transcripts: non-coding transcript variant (1), intron variant (2).
Genome position (GRCh38, 1-based): chr2:214,792,382, T>G on the plus strand (A>C on the coding strand, the complement: BARD1 is on the minus strand). VCF-style: chr2-214792382-T-G. GRCh37 (hg19) VCF-style: chr2-215657106-T-G.
Other names: c.222A>C, p.Gln74His (NM_001282543.2); c.279A>C, p.Gln93His (NM_001282549.2); c.158+17030A>C (NM_001282548.2); c.215+4679A>C (NM_001282545.2); short protein forms Q93H, Q74H.
Identifiers: ClinVar variation 1796118 (VCV001796118.2), dbSNP rs370000575, ClinGen allele CA350461089.